The following is an entry in ClinVar:

NM_024675.4(PALB2):c.2386G>T (p.Gly796Ter)

Gene: PALB2 (partner and localizer of BRCA2; minus strand). Cytogenetic location: 16p12.2.
Variant type: single nucleotide variant.
Coding change: c.2386G>T on transcript NM_024675.4 (MANE Select); coding-DNA position 2386, G replaced by T.
Protein change: p.Gly796Ter; replaces glycine 796 with a stop codon.
Molecular consequence: nonsense.
Genome position (GRCh38, 1-based): chr16:23,629,768, C>A on the plus strand (G>T on the coding strand, the complement: PALB2 is on the minus strand). VCF-style: chr16-23629768-C-A. GRCh37 (hg19) VCF-style: chr16-23641089-C-A.
Other names: short protein forms G796*.
Identifiers: ClinVar variation 126649 (VCV000126649.44), dbSNP rs180177112, ClinGen allele CA163823.

ClinVar aggregate classification (germline): Pathogenic/Likely pathogenic. Review status: criteria provided, multiple submitters, no conflicts (2 of 4 stars). 14 submissions from 14 submitters: Pathogenic (10); Likely pathogenic (2). 2 of the submissions do not count toward it. Last evaluated 2026-07-23.

Conditions:
PALB2-related disorder. Also called: PALB2-related disorders; PALB2-related condition.
Hereditary cancer-predisposing syndrome. Also called: Neoplastic Syndromes, Hereditary; Tumor predisposition; Hereditary Cancer Syndrome; Hereditary neoplastic syndrome. Identifiers: Orphanet 140162, MedGen C0027672, MeSH D009386, MONDO:0015356.
Fanconi anemia complementation group N. Also called: PALB2-Related Fanconi Anemia. Identifiers: Orphanet 84, MedGen C1835817, MONDO:0012565, OMIM 610832. Disease mechanism: loss of function.
Familial cancer of breast. Also called: hereditary breast carcinoma; Hereditary breast cancer; BREAST CANCER, FAMILIAL. Identifiers: Orphanet 227535, MedGen C0346153, MONDO:0016419, OMIM 114480. Disease mechanism: loss of function.

Allele frequency attached by ClinVar (database versions not stated): gnomAD exomes below 0.00001; TOPMed below 0.00001; gnomAD 0.00001.
gnomAD v4.1: 4 of 1,614,074 alleles (0.00025%); highest among the groups gnomAD compares: African/African-American, 0.0013%; no homozygotes.

Submissions 1 to 11 of 14:

GeneDx
Classification: Pathogenic. Last evaluated: 2026-07-23. Review status: criteria provided, single submitter. Criteria: GeneDx Variant Classification Process June 2021. Collection method: clinical testing. Allele origin: germline.
Comment: Observed in individuals with a personal or family history consistent with pathogenic variants in this gene (PMID: 32853339, 21285249, 17200668, 26786923, 26283626, 28767289, 34113003); Nonsense variant predicted to result in protein truncation or nonsense mediated decay in a gene for which loss of function is a known mechanism of disease; Not observed at significant frequency in large population cohorts (gnomAD); Truncating variants in this gene are considered pathogenic by a well-established clinical consortium and/or database; This variant is associated with the following publications: (PMID: 28779002, 17200668, 25099575, 24415441, 21285249, 24549055, 19264984, 25525159, 20852946, 26489409, 26283626, 23935381, 22692731, 19763884, 28825143, 29431189, 20858716, 26786923, 19763819, 28767289, 32853339, 29922827, 28888541, 34113003, 21165770, 35626031, 33471991)

PreventionGenetics, part of Exact Sciences
Classification: Pathogenic for PALB2-related condition. Last evaluated: 2026-01-21. Review status: criteria provided, single submitter. Criteria: ACMG Guidelines, 2015. Collection method: clinical testing. Allele origin: germline.
Comment: The PALB2 c.2386G>T variant is predicted to result in premature protein termination (p.Gly796*). This variant has been reported in multiple individuals with breast cancer (Rahman et al. 2007. PubMed ID: 17200668; Southey et al. 2013. PubMed ID: 23935381; Antoniou et al. 2014. PubMed ID: 25099575; Castéra et al. 2014. PubMed ID: 24549055; Thompson et al. 2015. PubMed ID: 26283626). This variant was also reported in an individual with a personal history of pancreatic ductal adenocarcinoma and a family history of breast cancer (Shindo et al. 2017. PubMed ID: 28767289). This variant is reported in 0.0040% of alleles in individuals of African descent in gnomAD and is interpreted as pathogenic and likely pathogenic in ClinVar (Variation ID: 126649). Nonsense variants in PALB2 are expected to be pathogenic. This variant is interpreted as pathogenic.

Labcorp Genetics (formerly Invitae), Labcorp
Classification: Pathogenic for Familial cancer of breast. Last evaluated: 2025-12-16. Review status: criteria provided, single submitter. Criteria: Invitae Variant Classification Sherloc (09022015). Collection method: clinical testing. Allele origin: germline.
Comment: This sequence change creates a premature translational stop signal (p.Gly796*) in the PALB2 gene. It is expected to result in an absent or disrupted protein product. Loss-of-function variants in PALB2 are known to be pathogenic (PMID: 17200668, 17200671, 17200672, 24136930, 25099575). This variant is present in population databases (rs180177112, gnomAD 0.004%). This premature translational stop signal has been observed in individual(s) with breast cancer (PMID: 17200668, 23935381, 24415441, 24549055, 25099575). ClinVar contains an entry for this variant (Variation ID: 126649). For these reasons, this variant has been classified as Pathogenic.

Molecular Diagnostics Laboratory, Catalan Institute of Oncology
Classification: Likely pathogenic for Hereditary cancer-predisposing syndrome. Last evaluated: 2025-08-13. Review status: criteria provided, single submitter. Criteria: ClinGen ACMG Specifications PALB2 V1.1.0. Collection method: clinical testing. Allele origin: germline.
Comment: PVS1, PM5_Supporting c.2386G>T, located in exon 5 of the PALB2 gene, is a nonsense variant expected to result in loss of function by premature protein truncation before codon 1183 (PVS1, PM5_Supporting ).This variant is found in 2/268296 alleles at a frequency of 0.0007% in the gnomAD v2.1.1 database, non-cancer dataset. The SpliceAI algorithm predicts no significant impact on splicing. To our knowledge, no well-established functional studies have been reported for this variant. c.2386G>T variant has been reported in the ClinVar database (1x likely pathogenic, 12x pathogenic) and in the LOVD database (7x pathogenic; 1NA). Based on currently available information, the variant c.2386G>T should be considered a likely pathogenic variant according to ClinGen-PALB2 Guidelines v.1.1.0.

Quest Diagnostics Nichols Institute San Juan Capistrano
Classification: Pathogenic. Last evaluated: 2025-04-07. Review status: criteria provided, single submitter. Criteria: Quest Diagnostics criteria. Collection method: clinical testing. Allele origin: unknown.
Comment: The PALB2 c.2386G>T (p.Gly796*) variant causes the premature termination of PALB2 protein synthesis. This variant has been reported in the published literature in individuals with breast or ovarian cancer (PMID: 29431189, 28779002, 26786923, 26283626, 25099575, 24549055, 24415441, 21285249, 33471991, see also LOVD, and pancreatic cancer (PMID: 28767289 (2017)). The frequency of this variant in the general population (Genome Aggregation Database) is consistent with pathogenicity. Based on the available information, this variant is classified as pathogenic.

Ambry Genetics
Classification: Pathogenic for Hereditary cancer-predisposing syndrome. Last evaluated: 2025-03-18. Review status: criteria provided, single submitter. Criteria: Ambry Variant Classification Scheme 2023. Collection method: clinical testing. Allele origin: germline.
Comment: The p.G796* pathogenic mutation (also known as c.2386G>T), located in coding exon 5 of the PALB2 gene, results from a G to T substitution at nucleotide position 2386. This changes the amino acid from a glycine to a stop codon within coding exon 5. This alteration has been detected in multiple breast cancer patients and families (Rahman N et al. Nat. Genet. 2007 Feb;39:165-7; Antoniou AC et al. N. Engl. J. Med. 2014 Aug;371:497-506; Li YT et al. Eur. J. Med. Res. 2015 Oct;20:85; Lee JEA et al. J. Pathol. 2018 May;245(1):53-60). It was also seen in a patient with pancreatic cancer (Shindo K et al. J. Clin. Oncol. 2017 Oct;35(30):3382-3390). In addition to the clinical data presented in the literature, this alteration is expected to result in loss of function by premature protein truncation or nonsense-mediated mRNA decay. As such, this alteration is interpreted as a disease-causing mutation.

Color Diagnostics, LLC DBA Color Health
Classification: Pathogenic for Hereditary cancer-predisposing syndrome. Last evaluated: 2025-02-24. Review status: criteria provided, single submitter. Criteria: ACMG Guidelines, 2015. Collection method: clinical testing. Allele origin: germline.
Comment: This variant changes 1 nucleotide in exon 5 of the PALB2 gene, creating a premature translation stop signal. This variant is expected to result in an absent or non-functional protein product. This variant has been detected in at least 5 individuals affected with breast, ovarian and pancreatic cancer (PMID: 17200668, 21285249, 26489409, 26786923, 28767289, 33471991; Leiden Open Variation Database DB-ID PALB2_010102). This variant has been identified in 2/282832 chromosomes in the general population by the Genome Aggregation Database (gnomAD). Loss of PALB2 function is a known mechanism of disease. Based on the available evidence, this variant is classified as Pathogenic.

Baylor Genetics
Classification: Pathogenic for Familial cancer of breast. Last evaluated: 2023-10-17. Review status: criteria provided, single submitter. Criteria: ACMG Guidelines, 2015. Collection method: clinical testing. Allele origin: unknown.

Myriad Genetics, Inc.
Classification: Pathogenic for Familial cancer of breast. Last evaluated: 2023-03-31. Review status: criteria provided, single submitter. Criteria: Myriad Autosomal Dominant, Autosomal Recessive and X-Linked Classification Criteria (2023). Collection method: clinical testing. Allele origin: unknown.
Comment: This variant is considered pathogenic. This variant creates a termination codon and is predicted to result in premature protein truncation.

Women's Health and Genetics/Laboratory Corporation of America, LabCorp
Classification: Pathogenic for Familial cancer of breast. Last evaluated: 2019-09-23. Review status: criteria provided, single submitter. Criteria: LabCorp Variant Classification Summary - May 2015. Collection method: clinical testing. Allele origin: germline.
Comment: Variant summary: PALB2 c.2386G>T (p.Gly796X) results in a premature termination codon, predicted to cause a truncation of the encoded protein or absence of the protein due to nonsense mediated decay, which are commonly known mechanisms for disease. Truncations downstream of this position have been classified as pathogenic by our laboratory. The variant allele was found at a frequency of 4e-06 in 251426 control chromosomes (gnomAD). c.2386G>T has been reported in the literature in multiple individuals affected with Breast Cancer (Antoniou_2014, Castera_2014, Fernandes_2014). These data indicate that the variant is very likely to be associated with disease. To our knowledge, no experimental evidence demonstrating an impact on protein function has been reported. Eight ClinVar submissions (evaluation after 2014) cite the variant seven times as pathogenic and once as likely pathogenic. Based on the evidence outlined above, the variant was classified as pathogenic.

Revvity Omics, Revvity
Classification: Pathogenic. Last evaluated: 2019-05-06. Review status: criteria provided, single submitter. Criteria: ACMG Guidelines, 2015. Collection method: clinical testing. Allele origin: germline.